The following is an entry in ClinVar:

NM_130810.4(DNAAF4):c.881A>T (p.Lys294Met)

Genes: DNAAF4 (dynein axonemal assembly factor 4; minus strand), DNAAF4-CCPG1 (DNAAF4-CCPG1 readthrough (NMD candidate); minus strand). Cytogenetic location: 15q21.3.
Variant type: single nucleotide variant.
Coding change: c.881A>T on transcript NM_130810.4 (MANE Select); coding-DNA position 881, A replaced by T.
Protein change: p.Lys294Met; replaces lysine 294 with methionine.
Molecular consequence: missense variant. On other transcripts: non-coding transcript variant (1).
Genome position (GRCh38, 1-based): chr15:55,439,484, T>A on the plus strand (A>T on the coding strand, the complement: DNAAF4 is on the minus strand). VCF-style: chr15-55439484-T-A. GRCh37 (hg19) VCF-style: chr15-55731682-T-A.
Other names: c.881A>T, p.Lys294Met (NM_001033559.3, NM_001033560.2); short protein forms K294M.
Identifiers: ClinVar variation 410960 (VCV000410960.15), dbSNP rs116339967, ClinGen allele CA7574902.
Genomic context (GRCh38, chr15:55,439,484, plus strand): 5'-ATGTCTTCATACATGATAAAGCTCATGATCAGAGTTCAAACAACTTACTTTCCTTTATCC[T>A]TCAACCATTCTGGGTTCTTTTCTTCTTCTTTTAAATCGCAAAGTTCAGCTATGTCAGTAT-3'
Protein context (NP_570722.2, residues 284-304): KEEEKNPEWL[Lys294Met]DKGNKLFATE

ClinVar aggregate classification (germline): Conflicting classifications of pathogenicity. Review status: criteria provided, conflicting classifications (1 of 4 stars). 4 submissions from 4 submitters: Uncertain significance (2); Likely benign (1). 1 of the submissions does not count toward it. Last evaluated 2026-01-28.

Conditions:
Inborn genetic diseases. Identifiers: MedGen C0950123, MeSH D030342.
DNAAF4-related disorder. Also called: DNAAF4-related condition.

Allele frequency attached by ClinVar (database versions not stated): gnomAD 0.00165 and 0.00131; TOPMed 0.00164; 1000 Genomes Project 30x 0.00047; 1000 Genomes Project 0.00060; ExAC 0.00109; gnomAD exomes 0.00116; ESP Exome Variant Server 0.00162.
gnomAD v4.1: 3,199 of 1,613,674 alleles (0.2%); highest among the groups gnomAD compares: Non-Finnish European, 0.25%; 3 homozygotes.

Submissions (4):

Labcorp Genetics (formerly Invitae), Labcorp
Classification: Likely benign. Last evaluated: 2026-01-28. Review status: criteria provided, single submitter. Criteria: Invitae Variant Classification Sherloc (09022015). Collection method: clinical testing. Allele origin: germline.

Ambry Genetics
Classification: Uncertain significance for Inborn genetic diseases. Last evaluated: 2025-01-20. Review status: criteria provided, single submitter. Criteria: Ambry Variant Classification Scheme 2023. Collection method: clinical testing. Allele origin: germline.

GeneDx
Classification: Uncertain significance. Last evaluated: 2019-04-24. Review status: criteria provided, single submitter. Criteria: GeneDx Variant Classification Process June 2021. Collection method: clinical testing. Allele origin: germline. Affected: yes.
Comment: Has not been previously published as pathogenic or benign to our knowledge; In silico analysis, which includes protein predictors and evolutionary conservation, supports a deleterious effect

PreventionGenetics, part of Exact Sciences
Classification: Likely benign for DNAAF4-related condition. Last evaluated: 2022-02-03. Review status: no assertion criteria provided. Collection method: clinical testing. Allele origin: germline. Not counted in ClinVar's aggregate classification.
Comment: This variant is classified as likely benign based on ACMG/AMP sequence variant interpretation guidelines (Richards et al. 2015 PMID: 25741868, with internal and published modifications).